The following is an entry in ClinVar:

ClinVar aggregate classification (germline): Conflicting classifications of pathogenicity. Review status: criteria provided, conflicting classifications (1 of 4 stars). 6 submissions from 1 submitter: Uncertain significance (2); Benign (3); Likely benign (1). Last evaluated 2018-01-12.

Conditions:
Retinitis pigmentosa (RP). Identifiers: Orphanet 791, MedGen C0035334, MeSH D012174, MONDO:0019200, OMIM 268000. Inheritance: Autosomal dominant, autosomal recessive and X linked inheritance.
Pigmentary retinal dystrophy. Also called: Fundus albipunctatus. Identifiers: Orphanet 227796, Orphanet 52427, MedGen C0311338, MONDO:0007639, OMIM 136880, HP:0030642.
Cone-rod dystrophy. Also called: Cone-rod degeneration; Cone/cone-rod dystrophy. Identifiers: Orphanet 1872, MedGen C4085590, MONDO:0015993, HP:0000548.
Choroidal dystrophy, central areolar 2 (CACD2). Also called: Choriodal Dystrophy, Central Areolar 2; MACULAR DYSTROPHY, PROGRESSIVE. Identifiers: Orphanet 75377, MedGen C2751290, MONDO:0013137, OMIM 613105.
Patterned macular dystrophy 1. Also called: BUTTERFLY DYSTROPHY OF RETINAL PIGMENT EPITHELIUM; MACULAR DYSTROPHY, BUTTERFLY-SHAPED PIGMENTARY. Identifiers: Orphanet 99001, MedGen C4551999, MONDO:0008210, OMIM 169150.
Adult-onset foveomacular vitelliform dystrophy. Also called: FOVEOMACULAR DYSTROPHY, ADULT-ONSET, WITH OR WITHOUT CHOROIDAL NEOVASCULARIZATION; FOVEOMACULAR DYSTROPHY, ADULT-ONSET; Adult onset vitelliform dystrophy. Identifiers: Orphanet 99000, MedGen C1842914, MONDO:0011979.

Allele frequency attached by ClinVar (database versions not stated): 1000 Genomes Project 0.00220; 1000 Genomes Project 30x 0.00250; gnomAD 0.00272 and 0.00277; TOPMed 0.00297; gnomAD exomes 0.00439.

Submissions (6):

Illumina Laboratory Services, Illumina
Classification: Uncertain significance for Patterned macular dystrophy 1. Last evaluated: 2018-01-12. Review status: criteria provided, single submitter. Criteria: ICSL Variant Classification Criteria 13 December 2019. Collection method: clinical testing. Allele origin: germline.

Illumina Laboratory Services, Illumina
Classification: Benign for Vitelliform macular dystrophy 3. Last evaluated: 2018-01-12. Review status: criteria provided, single submitter. Criteria: ICSL Variant Classification Criteria 13 December 2019. Collection method: clinical testing. Allele origin: germline.
Comment: This variant was observed in the ICSL laboratory as part of a predisposition screen in an ostensibly healthy population. It had not been previously curated by ICSL or reported in the Human Gene Mutation Database (HGMD: prior to June 1st, 2018), and was therefore a candidate for classification through an automated scoring system. Utilizing variant allele frequency, disease prevalence and penetrance estimates, and inheritance mode, an automated score was calculated to assess if this variant is too frequent to cause the disease. Based on the score and internal cut-off values, a variant classified as benign is not then subjected to further curation. The score for this variant resulted in a classification of benign for this disease.

Illumina Laboratory Services, Illumina
Classification: Uncertain significance for Pigmentary retinal dystrophy. Last evaluated: 2018-01-12. Review status: criteria provided, single submitter. Criteria: ICSL Variant Classification Criteria 13 December 2019. Collection method: clinical testing. Allele origin: germline.

Illumina Laboratory Services, Illumina
Classification: Benign for Cone-rod dystrophy. Last evaluated: 2018-01-12. Review status: criteria provided, single submitter. Criteria: ICSL Variant Classification Criteria 13 December 2019. Collection method: clinical testing. Allele origin: germline.
Comment: the same text as in the submission from Illumina Laboratory Services, Illumina above.

Illumina Laboratory Services, Illumina
Classification: Benign for Choroidal dystrophy, central areolar 2. Last evaluated: 2018-01-12. Review status: criteria provided, single submitter. Criteria: ICSL Variant Classification Criteria 13 December 2019. Collection method: clinical testing. Allele origin: germline.
Comment: the same text as in the submission from Illumina Laboratory Services, Illumina above.

Illumina Laboratory Services, Illumina
Classification: Likely benign for Retinitis pigmentosa. Last evaluated: 2018-01-12. Review status: criteria provided, single submitter. Criteria: ICSL Variant Classification Criteria 13 December 2019. Collection method: clinical testing. Allele origin: germline.
Comment: This variant was observed in the ICSL laboratory as part of a predisposition screen in an ostensibly healthy population. It had not been previously curated by ICSL or reported in the Human Gene Mutation Database (HGMD: prior to June 1st, 2018), and was therefore a candidate for classification through an automated scoring system. Utilizing variant allele frequency, disease prevalence and penetrance estimates, and inheritance mode, an automated score was calculated to assess if this variant is too frequent to cause the disease. Based on the score and internal cut-off values, a variant classified as likely benign is not then subjected to further curation. The score for this variant resulted in a classification of likely benign for this disease.

NM_000322.5(PRPH2):c.*509G>A

Gene: PRPH2 (peripherin 2; minus strand). Cytogenetic location: 6p21.1.
Variant type: single nucleotide variant.
Coding change: c.*509G>A on transcript NM_000322.5 (MANE Select); 509 bases downstream of the stop codon, G replaced by A.
Molecular consequence: 3 prime UTR variant.
Genome position (GRCh38, 1-based): chr6:42,697,786, C>T on the plus strand (G>A on the coding strand, the complement: PRPH2 is on the minus strand). VCF-style: chr6-42697786-C-T. GRCh37 (hg19) VCF-style: chr6-42665524-C-T.
Identifiers: ClinVar variation 910496 (VCV000910496.4), dbSNP rs56194662, ClinGen allele CA138166131.